The following is an entry in ClinVar:

NM_181426.2(CCDC39):c.2381C>G (p.Pro794Arg)

Genes: CCDC39 (coiled-coil domain 39 molecular ruler complex subunit; minus strand), TTC14 (tetratricopeptide repeat domain 14; plus strand). Cytogenetic location: 3q26.33.
Variant type: single nucleotide variant.
Coding change: c.2381C>G on transcript NM_181426.2 (MANE Select); coding-DNA position 2381, C replaced by G.
Protein change: p.Pro794Arg; replaces proline 794 with arginine.
Molecular consequence: missense variant. On other transcripts: intron variant (1).
Genome position (GRCh38, 1-based): chr3:180,616,851, G>C on the plus strand (C>G on the coding strand, the complement: CCDC39 is on the minus strand). VCF-style: chr3-180616851-G-C. GRCh37 (hg19) VCF-style: chr3-180334639-G-C.
Other names: c.1775-529G>C (NM_001288582.2); short protein forms P794R.
Identifiers: ClinVar variation 940053 (VCV000940053.8), dbSNP rs7613155, ClinGen allele CA355305552.

ClinVar aggregate classification (germline): Uncertain significance (1 of 4 stars; one submission).

Conditions:
Primary ciliary dyskinesia. Also called: Ciliary dyskinesia. Identifiers: Orphanet 244, MedGen C0008780, MONDO:0016575, HP:0012265.

gnomAD v4.1: 4 of 1,609,422 alleles (0.00025%); highest among the groups gnomAD compares: South Asian, 0.0044%; no homozygotes.

Submission:

Labcorp Genetics (formerly Invitae), Labcorp
Classification: Uncertain significance for Primary ciliary dyskinesia. Last evaluated: 2022-07-26. Review status: criteria provided, single submitter. Criteria: Invitae Variant Classification Sherloc (09022015). Collection method: clinical testing. Allele origin: germline.
Comment: This sequence change replaces proline, which is neutral and non-polar, with arginine, which is basic and polar, at codon 794 of the CCDC39 protein (p.Pro794Arg). This variant is not present in population databases (gnomAD no frequency). This variant has not been reported in the literature in individuals affected with CCDC39-related conditions. ClinVar contains an entry for this variant (Variation ID: 940053). Algorithms developed to predict the effect of missense changes on protein structure and function are either unavailable or do not agree on the potential impact of this missense change (SIFT: "Tolerated"; PolyPhen-2: "Possibly Damaging"; Align-GVGD: "Class C0"). In summary, the available evidence is currently insufficient to determine the role of this variant in disease. Therefore, it has been classified as a Variant of Uncertain Significance.